The following is an entry in ClinVar:

NM_000038.6(APC):c.367T>A (p.Phe123Ile)

Gene: APC (APC regulator of Wnt signaling pathway; plus strand). Cytogenetic location: 5q22.2.
Variant type: single nucleotide variant.
Coding change: c.367T>A on transcript NM_000038.6 (MANE Select); coding-DNA position 367, T replaced by A.
Protein change: p.Phe123Ile; replaces phenylalanine 123 with isoleucine.
Molecular consequence: missense variant. On other transcripts: 5 prime UTR variant (1).
Genome position (GRCh38, 1-based): chr5:112,767,335, T>A. VCF-style: chr5-112767335-T-A. GRCh37 (hg19) VCF-style: chr5-112103032-T-A.
Other names: c.367T>A, p.Phe123Ile (NM_001127510.3, NM_001354895.2, NM_001354896.2 and 2 more transcripts); c.397T>A, p.Phe133Ile (NM_001127511.3, NM_001354897.2, NM_001354902.2); c.292T>A, p.Phe98Ile (NM_001354898.2, NM_001354904.2); c.190T>A, p.Phe64Ile (NM_001354900.2, NM_001354901.2, NM_001354905.2); c.-669T>A (NM_001354906.2); short protein forms F123I, F133I, F64I, F98I.
Identifiers: ClinVar variation 954409 (VCV000954409.12), dbSNP rs1756467769, ClinGen allele CA16022120.
Genomic context (GRCh38, chr5:112,767,335, plus strand): 5'-GTATCAAGCCGTTCTGGAGAGTGCAGTCCTGTTCCTATGGGTTCATTTCCAAGAAGAGGG[T>A]TTGTAAATGGAAGCAGAGAAAGTACTGGATATTTAGAAGAACTTGAGAAAGAGAGGTAAC-3'
Protein context (NP_000029.2, residues 113-133): VPMGSFPRRG[Phe123Ile]VNGSRESTGY

ClinVar aggregate classification (germline): Uncertain significance. Review status: criteria provided, multiple submitters, no conflicts (2 of 4 stars). 3 submissions from 3 submitters: Uncertain significance (3). Last evaluated 2025-10-12.

Conditions:
Hereditary cancer-predisposing syndrome. Also called: Hereditary neoplastic syndrome; Tumor predisposition; Neoplastic Syndromes, Hereditary; Hereditary Cancer Syndrome. Identifiers: Orphanet 140162, MedGen C0027672, MeSH D009386, MONDO:0015356.
Familial adenomatous polyposis 1 (FAP1). Also called: FAMILIAL ADENOMATOUS POLYPOSIS 1, ATTENUATED; POLYPOSIS, ADENOMATOUS INTESTINAL. Identifiers: MedGen C2713442, MONDO:0021056, OMIM 175100. Disease mechanism: loss of function.

Submissions (3):

Color Diagnostics, LLC DBA Color Health
Classification: Uncertain significance for Hereditary cancer-predisposing syndrome. Last evaluated: 2025-10-12. Review status: criteria provided, single submitter. Criteria: ACMG Guidelines, 2015. Collection method: clinical testing. Allele origin: germline.
Comment: This missense variant replaces phenylalanine with isoleucine at codon 123 of the APC protein. Computational prediction suggests that this variant may not impact protein structure and function. To our knowledge, functional studies have not been reported for this variant. This variant has not been reported in individuals affected with APC-related disorders in the literature. This variant has not been identified in the general population by the Genome Aggregation Database (gnomAD). The available evidence is insufficient to determine the role of this variant in disease conclusively. Therefore, this variant is classified as a Variant of Uncertain Significance.

Ambry Genetics
Classification: Uncertain significance for Hereditary cancer-predisposing syndrome. Last evaluated: 2025-03-26. Review status: criteria provided, single submitter. Criteria: Ambry Variant Classification Scheme 2023. Collection method: clinical testing. Allele origin: germline.
Comment: The p.F123I variant (also known as c.367T>A), located in coding exon 3 of the APC gene, results from a T to A substitution at nucleotide position 367. The phenylalanine at codon 123 is replaced by isoleucine, an amino acid with highly similar properties. This amino acid position is well conserved in available vertebrate species. In addition, in silico predictors for this gene do not accurately predict pathogenicity. Missense alterations in APC are not a common cause of disease (Spier I et al. Genet Med. 2024 Feb;26(2):100992). Based on the available evidence, the clinical significance of this variant remains unclear.

Labcorp Genetics (formerly Invitae), Labcorp
Classification: Uncertain significance for Familial adenomatous polyposis 1. Last evaluated: 2024-08-22. Review status: criteria provided, single submitter. Criteria: Invitae Variant Classification Sherloc (09022015). Collection method: clinical testing. Allele origin: germline.
Comment: This sequence change replaces phenylalanine, which is neutral and non-polar, with isoleucine, which is neutral and non-polar, at codon 123 of the APC protein (p.Phe123Ile). This variant is not present in population databases (gnomAD no frequency). This variant has not been reported in the literature in individuals affected with APC-related conditions. ClinVar contains an entry for this variant (Variation ID: 954409). Invitae Evidence Modeling of protein sequence and biophysical properties (such as structural, functional, and spatial information, amino acid conservation, physicochemical variation, residue mobility, and thermodynamic stability) indicates that this missense variant is not expected to disrupt APC protein function with a negative predictive value of 95%. In summary, the available evidence is currently insufficient to determine the role of this variant in disease. Therefore, it has been classified as a Variant of Uncertain Significance.